The following is an entry in ClinVar:

NM_002860.4(ALDH18A1):c.2260C>T (p.Leu754Phe)

Gene: ALDH18A1 (aldehyde dehydrogenase 18 family member A1; minus strand). Cytogenetic location: 10q24.1.
Variant type: single nucleotide variant.
Coding change: c.2260C>T on transcript NM_002860.4 (MANE Select); coding-DNA position 2260, C replaced by T.
Protein change: p.Leu754Phe; replaces leucine 754 with phenylalanine.
Molecular consequence: missense variant.
Genome position (GRCh38, 1-based): chr10:95,606,890, G>A on the plus strand (C>T on the coding strand, the complement: ALDH18A1 is on the minus strand). VCF-style: chr10-95606890-G-A. GRCh37 (hg19) VCF-style: chr10-97366647-G-A.
Other names: c.2260C>T (NM_002860.3); c.2254C>T, p.Leu752Phe (NM_001017423.2, NM_001323415.2); c.1927C>T, p.Leu643Phe (NM_001323412.2, NM_001323416.2); c.2260C>T, p.Leu754Phe (NM_001323413.2, NM_001323414.2); c.2155C>T, p.Leu719Phe (NM_001323417.2); c.1921C>T, p.Leu641Phe (NM_001323418.2); c.1624C>T, p.Leu542Phe (NM_001323419.2); short protein forms L641F, L752F, L542F, L719F, L643F, L754F.
Identifiers: ClinVar variation 1434093 (VCV001434093.7), dbSNP rs2139513721, ClinGen allele CA377699063.

ClinVar aggregate classification (germline): Uncertain significance. Review status: criteria provided, single submitter (1 of 4 stars). 2 submissions from 2 submitters: Uncertain significance (1). 1 of the submissions does not count toward it. Last evaluated 2021-11-07.

Conditions:
Cutis laxa, autosomal dominant 3 (ADCL3). Identifiers: Orphanet 90348, MedGen C4225268, MONDO:0014706, OMIM 616603.
Autosomal dominant spastic paraplegia type 9. Identifiers: MedGen C1832669, MONDO:0015091.
de Barsy syndrome. Also called: Cutis laxa-corneal clouding-oligophrenia syndrome. Identifiers: Orphanet 2962, MedGen C0268354, MONDO:0017569.
ALDH18A1-related disorder. Also called: ALDH18A1-related disorders.

Allele frequency attached by ClinVar (database versions not stated): gnomAD exomes below 0.00001.
gnomAD v4.1: 5 of 1,614,114 alleles (0.00031%); highest among the groups gnomAD compares: Non-Finnish European, 0.00042%; no homozygotes.

Submissions (2):

Labcorp Genetics (formerly Invitae), Labcorp
Classification: Uncertain significance for Autosomal dominant spastic paraplegia type 9; de Barsy syndrome; Cutis laxa, autosomal dominant 3. Last evaluated: 2021-11-07. Review status: criteria provided, single submitter. Criteria: Invitae Variant Classification Sherloc (09022015). Collection method: clinical testing. Allele origin: germline.
Comment: This sequence change replaces leucine, which is neutral and non-polar, with phenylalanine, which is neutral and non-polar, at codon 754 of the ALDH18A1 protein (p.Leu754Phe). In summary, the available evidence is currently insufficient to determine the role of this variant in disease. Therefore, it has been classified as a Variant of Uncertain Significance. Algorithms developed to predict the effect of missense changes on protein structure and function are either unavailable or do not agree on the potential impact of this missense change (SIFT: "Deleterious"; PolyPhen-2: "Possibly Damaging"; Align-GVGD: "Class C0"). This variant has not been reported in the literature in individuals affected with ALDH18A1-related conditions. This variant is not present in population databases (gnomAD no frequency).

PreventionGenetics, part of Exact Sciences
Classification: Uncertain significance for ALDH18A1-related condition. Last evaluated: 2024-05-27. Review status: no assertion criteria provided. Collection method: clinical testing. Allele origin: germline. Not counted in ClinVar's aggregate classification.
Comment: The ALDH18A1 c.2260C>T variant is predicted to result in the amino acid substitution p.Leu754Phe. To our knowledge, this variant has not been reported in the literature or in a large population database, indicating this variant is rare. At this time, the clinical significance of this variant is uncertain due to the absence of conclusive functional and genetic evidence.